The following is an entry in ClinVar:

NM_001379403.1(WDR26):c.1544A>G (p.Tyr515Cys)

Gene: WDR26 (WD repeat domain 26; minus strand). Cytogenetic location: 1q42.12.
Variant type: single nucleotide variant.
Coding change: c.1544A>G on transcript NM_001379403.1 (MANE Select); coding-DNA position 1544, A replaced by G.
Protein change: p.Tyr515Cys; replaces tyrosine 515 with cysteine.
Molecular consequence: missense variant.
Genome position (GRCh38, 1-based): chr1:224,404,485, T>C on the plus strand (A>G on the coding strand, the complement: WDR26 is on the minus strand). VCF-style: chr1-224404485-T-C. GRCh37 (hg19) VCF-style: chr1-224592187-T-C.
Other names: c.1196A>G, p.Tyr399Cys (NM_001115113.3); c.1244A>G, p.Tyr415Cys (NM_025160.7); short protein forms Y399C, Y415C, Y515C.
Identifiers: ClinVar variation 2390616 (VCV002390616.4), dbSNP rs767723808, ClinGen allele CA1414997.
Genomic context (GRCh38, chr1:224,404,485, plus strand): 5'-CTCACTTGTACATTCCAAAGCCAAAGCTCAGAGCAGTCATCTGGGCCACAAGCAACAAGA[T>C]AGTTGTCATCTGGACTCCATGCAATATAAGAAACGCCATAAGCATGTCCTTCTAATGTTT-3'
Protein context (NP_001366332.1, residues 505-525): SYIAWSPDDN[Tyr515Cys]LVACGPDDCS

ClinVar aggregate classification (germline): Likely benign. Review status: criteria provided, multiple submitters, no conflicts (2 of 4 stars). 2 submissions from 2 submitters: Likely benign (2). Last evaluated 2026-06-01.

Conditions:
Inborn genetic diseases. Identifiers: MedGen C0950123, MeSH D030342.

Allele frequency attached by ClinVar (database versions not stated): TOPMed 0.00003; gnomAD 0.00002; gnomAD exomes 0.00005; ExAC 0.00007.
gnomAD v4.1: 69 of 1,614,014 alleles (0.0043%); highest among the groups gnomAD compares: South Asian, 0.044%; no homozygotes.

Submissions (2):

CeGaT Center for Human Genetics Tuebingen
Classification: Likely benign. Last evaluated: 2026-06-01. Review status: criteria provided, single submitter. Criteria: CeGaT Center For Human Genetics Tuebingen Variant Classification Criteria Version 2. Collection method: clinical testing. Allele origin: germline. Affected: yes. Observed: 1 variant allele.
Comment: WDR26: BS2

Ambry Genetics
Classification: Likely benign for Inborn genetic diseases. Last evaluated: 2021-11-01. Review status: criteria provided, single submitter. Criteria: Ambry Variant Classification Scheme 2023. Collection method: clinical testing. Allele origin: germline.